The following is an entry in ClinVar:

NM_015662.3(IFT172):c.3915T>A (p.Ser1305=)

Genes: IFT172 (intraflagellar transport 172; minus strand), LOC126806173 (BRD4-independent group 4 enhancer GRCh37_chr2:27676057-27677256; plus strand). Cytogenetic location: 2p23.3.
Variant type: single nucleotide variant.
Coding change: c.3915T>A on transcript NM_015662.3 (MANE Select); coding-DNA position 3915, T replaced by A.
Protein change: p.Ser1305=; no amino-acid change (serine 1305 retained).
Molecular consequence: synonymous variant.
Genome position (GRCh38, 1-based): chr2:27,453,420, A>T on the plus strand (T>A on the coding strand, the complement: IFT172 is on the minus strand). VCF-style: chr2-27453420-A-T. GRCh37 (hg19) VCF-style: chr2-27676287-A-T.
Other names: p.Ser1305=.
Identifiers: ClinVar variation 379411 (VCV000379411.16), dbSNP rs56076827, ClinGen allele CA1579826.
Genomic context (GRCh38, chr2:27,453,420, plus strand): 5'-CCAGAAAGGGCCTGCTGTCCTCACCTTCATCCAGCACTTCTCCGCCAGGCCGCTGTTTCC[A>T]GAGTCTCGCACTTTGAGGTAGCAGTCCACGGCACGGCTGTACTCTCCAGCCTGCTCCCAG-3'
Protein context (NP_056477.1, residues 1295-1315): AVDCYLKVRD[Ser1305=]GNSGLAEKCW

ClinVar aggregate classification (germline): Benign. Review status: criteria provided, multiple submitters, no conflicts (2 of 4 stars). 8 submissions from 7 submitters: Benign (8). Last evaluated 2026-02-04.

Conditions:
Short-rib thoracic dysplasia 10 with or without polydactyly (SRTD10). Identifiers: Orphanet 474, MedGen C3810175, MONDO:0014284, OMIM 615630.
Retinal dystrophy. Also called: Inherited retinal dystrophy. Identifiers: Orphanet 71862, MedGen C0854723, MeSH D058499, MONDO:0019118, HP:0000556.
Retinitis pigmentosa 71 (RP71). Identifiers: Orphanet 791, MedGen C4225342, MONDO:0014618, OMIM 616394.

Allele frequency attached by ClinVar (database versions not stated): gnomAD exomes 0.39193; 1000 Genomes Project 0.35363; 1000 Genomes Project 30x 0.35962; TOPMed 0.37440; ESP Exome Variant Server 0.37583; gnomAD 0.37634 and 0.37673; ExAC 0.38857.
gnomAD v4.1: 617,716 of 1,613,866 alleles (38%); highest among the groups gnomAD compares: Admixed American, 51%; 121,272 homozygotes.

Submissions (8):

Labcorp Genetics (formerly Invitae), Labcorp
Classification: Benign for Retinitis pigmentosa 71; Short-rib thoracic dysplasia 10 with or without polydactyly. Last evaluated: 2026-02-04. Review status: criteria provided, single submitter. Criteria: Invitae Variant Classification Sherloc (09022015). Collection method: clinical testing. Allele origin: germline.

Blueprint Genetics
Classification: Benign. Last evaluated: 2024-11-26. Review status: criteria provided, single submitter. Criteria: ACMG Guidelines, 2015. Collection method: clinical testing. Allele origin: germline.

Dept Of Ophthalmology, Nagoya University
Classification: Benign for Retinal dystrophy. Last evaluated: 2023-10-01. Review status: criteria provided, single submitter. Criteria: Submitter's publication. Collection method: research. Allele origin: germline. Affected: yes.

Mayo Clinic Laboratories, Mayo Clinic
Classification: Benign. Last evaluated: 2022-03-09. Review status: criteria provided, single submitter. Criteria: ACMG Guidelines, 2015. Collection method: clinical testing. Allele origin: germline. Observed: 43 variant alleles.

Genome-Nilou Lab
Classification: Benign for Retinitis pigmentosa 71. Last evaluated: 2021-08-10. Review status: criteria provided, single submitter. Criteria: ACMG Guidelines, 2015. Collection method: clinical testing. Allele origin: germline. Affected: no.

Genome-Nilou Lab
Classification: Benign for Short-rib thoracic dysplasia 10 with or without polydactyly. Last evaluated: 2021-08-10. Review status: criteria provided, single submitter. Criteria: ACMG Guidelines, 2015. Collection method: clinical testing. Allele origin: germline. Affected: no.

GeneDx
Classification: Benign. Last evaluated: 2016-01-08. Review status: criteria provided, single submitter. Criteria: GeneDx Variant Classification (06012015). Collection method: clinical testing. Allele origin: germline. Affected: yes.
Comment: This variant is considered likely benign or benign based on one or more of the following criteria: it is a conservative change, it occurs at a poorly conserved position in the protein, it is predicted to be benign by multiple in silico algorithms, and/or has population frequency not consistent with disease.

Breakthrough Genomics
Classification: Benign. Review status: criteria provided, single submitter. Criteria: ACMG Guidelines, 2015. Collection method: not provided. Allele origin: germline. Inheritance: Autosomal recessive inheritance. Affected: yes.